The following is an entry in ClinVar:

ClinVar aggregate classification (germline): Uncertain significance (1 of 4 stars; one submission).

Conditions:
Congenital disorder of glycosylation type Ir (CDG1R). Also called: DDOST-congenital disorder of glycosylation. Identifiers: Orphanet 300536, MedGen C3281084, MONDO:0013789, OMIM 614507.

Submission:

Labcorp Genetics (formerly Invitae), Labcorp
Classification: Uncertain significance for Congenital disorder of glycosylation type Ir. Last evaluated: 2025-05-27. Review status: criteria provided, single submitter. Criteria: Invitae Variant Classification Sherloc (09022015). Collection method: clinical testing. Allele origin: germline.
Comment: This sequence change replaces phenylalanine, which is neutral and non-polar, with leucine, which is neutral and non-polar, at codon 64 of the DDOST protein (p.Phe64Leu). This variant is not present in population databases (gnomAD no frequency). This variant has not been reported in the literature in individuals affected with DDOST-related conditions. Invitae Evidence Modeling of protein sequence and biophysical properties (such as structural, functional, and spatial information, amino acid conservation, physicochemical variation, residue mobility, and thermodynamic stability) indicates that this missense variant is not expected to disrupt DDOST protein function with a negative predictive value of 80%. In summary, the available evidence is currently insufficient to determine the role of this variant in disease. Therefore, it has been classified as a Variant of Uncertain Significance.

NM_005216.5(DDOST):c.139T>C (p.Phe47Leu)

Gene: DDOST (dolichyl-diphosphooligosaccharide--protein glycosyltransferase non-catalytic subunit; minus strand). Cytogenetic location: 1p36.12.
Variant type: single nucleotide variant.
Coding change: c.139T>C on transcript NM_005216.5 (MANE Select); coding-DNA position 139, T replaced by C.
Protein change: p.Phe47Leu; replaces phenylalanine 47 with leucine.
Molecular consequence: missense variant.
Genome position (GRCh38, 1-based): chr1:20,661,212, A>G on the plus strand (T>C on the coding strand, the complement: DDOST is on the minus strand). VCF-style: chr1-20661212-A-G. GRCh37 (hg19) VCF-style: chr1-20987705-A-G.
Other names: short protein forms F47L.
Identifiers: ClinVar variation 4741001 (VCV004741001.1).